The following is an entry in ClinVar:

ClinVar aggregate classification (germline): Pathogenic. Review status: criteria provided, multiple submitters, no conflicts (2 of 4 stars). 4 submissions from 4 submitters: Pathogenic (3). 1 of the submissions does not count toward it. Last evaluated 2023-09-27.

Conditions:
Sandhoff disease. Also called: GM2-GANGLIOSIDOSIS, TYPE II; HEXOSAMINIDASES A AND B DEFICIENCY; Beta-hexosaminidase-beta-subunit deficiency; GM2 gangliosidosis, type 2; Total hexosaminidase deficiency; Sandhoff-Jatzkewitz-Pilz disease. Identifiers: Orphanet 796, MedGen C0036161, MONDO:0010006, OMIM 268800.

Submissions (4):

Labcorp Genetics (formerly Invitae), Labcorp
Classification: Pathogenic for Sandhoff disease. Last evaluated: 2023-09-27. Review status: criteria provided, single submitter. Criteria: Invitae Variant Classification Sherloc (09022015). Collection method: clinical testing. Allele origin: germline.
Comment: This sequence change creates a premature translational stop signal (p.Trp57Cysfs*7) in the HEXB gene. It is expected to result in an absent or disrupted protein product. Loss-of-function variants in HEXB are known to be pathogenic (PMID: 7550345, 18758829). This variant is not present in population databases (gnomAD no frequency). This premature translational stop signal has been observed in individuals with Sandhoff disease (PMID: 22789865). ClinVar contains an entry for this variant (Variation ID: 557707). For these reasons, this variant has been classified as Pathogenic.

Women's Health and Genetics/Laboratory Corporation of America, LabCorp
Classification: Pathogenic for Sandhoff disease. Last evaluated: 2022-05-06. Review status: criteria provided, single submitter. Criteria: LabCorp Variant Classification Summary - May 2015. Collection method: clinical testing. Allele origin: germline.
Comment: Variant summary: HEXB c.171delG (p.Trp57CysfsX7) results in a premature termination codon, predicted to cause a truncation of the encoded protein or absence of the protein due to nonsense mediated decay, which are commonly known mechanisms for disease. Truncations downstream of this position have been classified as pathogenic by our laboratory. The variant was absent in 224844 control chromosomes (gnomAD). c.171delG has been reported in the literature in multiple individuals affected with Sandhoff Disease (Gort_2012, Alonso-Prez_2021), including at least two homozygotes. These data indicate that the variant is very likely to be associated with disease. To our knowledge, no experimental evidence demonstrating an impact on protein function has been reported. One ClinVar submitter (evaluation after 2014) cites the variant as pathogenic. Based on the evidence outlined above, the variant was classified as pathogenic.

Fulgent Genetics
Classification: Pathogenic for Sandhoff disease. Last evaluated: 2021-10-22. Review status: criteria provided, single submitter. Criteria: ACMG Guidelines, 2015. Collection method: clinical testing. Allele origin: unknown.

Counsyl
Classification: Pathogenic for Sandhoff disease. Last evaluated: 2018-04-11. Review status: no assertion criteria provided. Collection method: clinical testing. Allele origin: unknown. Not counted in ClinVar's aggregate classification.

Literature cited by the submitters: PubMed 7550345 (cited by Labcorp Genetics (formerly Invitae), Labcorp); PubMed 18758829 (cited by Labcorp Genetics (formerly Invitae), Labcorp); PubMed 22789865 (cited by 3 submitters); PubMed 34210542 (cited by Women's Health and Genetics/Laboratory Corporation of America, LabCorp).

NM_000521.4(HEXB):c.171del (p.Trp57fs)

Gene: HEXB (hexosaminidase subunit beta; plus strand). Cytogenetic location: 5q13.3.
Variant type: Deletion.
Coding change: c.171del on transcript NM_000521.4 (MANE Select); coding-DNA position 171, one base deleted (G; older notation c.171delG).
Protein change: p.Trp57fs; shifts the reading frame from tryptophan 57.
Molecular consequence: frameshift variant. On other transcripts: intron variant (1).
Genome position (GRCh38, 1-based): chr5:74,685,431, G deleted; the last of 2 consecutive G bases (chr5:74,685,430-74,685,431); deleting either gives the same sequence. VCF-style (leftmost placement, unchanged base first): chr5-74685429-TG-T. GRCh37 (hg19) VCF-style: chr5-73981254-TG-T.
Other names: c.-376-3897del (NM_001292004.2); short protein forms W57fs.
Identifiers: ClinVar variation 557707 (VCV000557707.7), dbSNP rs771973471, ClinGen allele CA3305751.